The following is an entry in ClinVar:

NM_007294.4(BRCA1):c.5346G>T (p.Trp1782Cys)

Gene: BRCA1 (BRCA1 DNA repair associated; minus strand). Cytogenetic location: 17q21.31.
Variant type: single nucleotide variant.
Coding change: c.5346G>T on transcript NM_007294.4 (MANE Select); coding-DNA position 5346, G replaced by T.
Protein change: p.Trp1782Cys; replaces tryptophan 1782 with cysteine.
Molecular consequence: missense variant. On other transcripts: non-coding transcript variant (1), intron variant (1).
Genome position (GRCh38, 1-based): chr17:43,049,181, C>A on the plus strand (G>T on the coding strand, the complement: BRCA1 is on the minus strand). VCF-style: chr17-43049181-C-A. GRCh37 (hg19) VCF-style: chr17-41201198-C-A.
Other names: c.5133G>T, p.Trp1711Cys (NM_001407571.1, NM_001407894.1, NM_001407895.1 and 12 more transcripts); c.5412G>T, p.Trp1804Cys (NM_001407581.1, NM_001407582.1); c.5409G>T, p.Trp1803Cys (NM_001407583.1, NM_001407585.1, NM_001407587.1 and 1 more transcripts); c.5343G>T, p.Trp1781Cys (NM_001407610.1, NM_001407611.1, NM_001407612.1 and 14 more transcripts); c.5340G>T, p.Trp1780Cys (NM_001407629.1, NM_001407630.1, NM_001407631.1 and 13 more transcripts); c.5286G>T, p.Trp1762Cys (NM_001407649.1); c.5268G>T, p.Trp1756Cys (NM_001407652.1, NM_001407653.1, NM_001407654.1 and 1 more transcripts); c.5265G>T, p.Trp1755Cys (NM_001407656.1, NM_001407657.1, NM_001407658.1); and 73 more; short protein forms W1735C, W1782C, W678C, W1803C, W1485C, W1670C, W1710C, W1733C.
Identifiers: ClinVar variation 865369 (VCV000865369.3), dbSNP rs80357284, ClinGen allele CA10590770.

Conditions:
Breast-ovarian cancer, familial, susceptibility to, 1 (BROVCA1). Also called: BRCA1 Hereditary Breast and Ovarian Cancer; OVARIAN CANCER, SUSCEPTIBILITY TO. Identifiers: Orphanet 145, MedGen C2676676, MONDO:0011450, OMIM 604370. Disease mechanism: loss of function.

Submission:

Brotman Baty Institute, University of Washington
No classification provided (evidence only). Condition: Breast-ovarian cancer, familial 1. Review status: no classification provided. Collection method: in vitro. Allele origin: not applicable. Functional consequence: functionally_normal.
ClinVar note: "not provided" was previously submitted as the classification for the variant. However, the classification appeared to be based only on an observation of functional data so it was converted to no classification on 2025-07-30.